The following is an entry in ClinVar:

NM_001348716.2(KDM6B):c.4165+3G>A

Genes: KDM6B (lysine demethylase 6B; plus strand), LOC121587574 (Sharpr-MPRA regulatory region 3930; plus strand). Cytogenetic location: 17p13.1.
Variant type: single nucleotide variant.
Coding change: c.4165+3G>A on transcript NM_001348716.2 (MANE Select); 3 bases into the intron after coding-DNA position 4165, G replaced by A.
Molecular consequence: intron variant.
Genome position (GRCh38, 1-based): chr17:7,851,799, G>A. VCF-style: chr17-7851799-G-A. GRCh37 (hg19) VCF-style: chr17-7755117-G-A.
Other names: c.4165+3G>A (NM_001080424.2).
Identifiers: ClinVar variation 1679668 (VCV001679668.1), dbSNP rs1466034954, ClinGen allele CA624866724.

ClinVar aggregate classification (germline): Uncertain significance (1 of 4 stars; one submission).

Conditions:
Neurodevelopmental disorder with coarse facies and mild distal skeletal abnormalities. Also called: STOLERMAN NEURODEVELOPMENTAL SYNDROME. Identifiers: MedGen C5193134, MONDO:0032790, OMIM 618505.

Allele frequency attached by ClinVar (database versions not stated): gnomAD exomes 0.00001.
gnomAD v4.1: 1 of 1,555,324 alleles (0.000064%); highest among the groups gnomAD compares: Non-Finnish European, 0.000087%; no homozygotes.

Submission:

New York Genome Center
Classification: Uncertain significance for Neurodevelopmental disorder with coarse facies and mild distal skeletal abnormalities. Last evaluated: 2021-06-16. Review status: criteria provided, single submitter. Criteria: NYGC Assertion Criteria 2020. Collection method: clinical testing. Allele origin: germline. Observed: 1 heterozygote. Study: CSER-NYCKidSeq.
Comment: The c.4165+3G>A (p.?) variant in intron 17 of 21 of KDM6B has not been reported in affected individuals in the available literature. This variant is absent in gnomAD v3 indicating it is not a common benign variant in the populations represented in this database. In silico predictors suggest this variant is Benign (Splice AI scores: Donor Loss 0.09, Donor Gain 0.01) and probably damaging (TraP score: 0.333). Given the current evidence regarding its pathogenicity, the c.4165+3G>A (p.?) variant identified in the KDM6B gene is classified as a Variant of uncertain significance.